The following is an entry in ClinVar:

NM_144631.6(ZNF513):c.1600C>T (p.Arg534Trp)

Gene: ZNF513 (zinc finger protein 513; minus strand). Cytogenetic location: 2p23.3.
Variant type: single nucleotide variant.
Coding change: c.1600C>T on transcript NM_144631.6 (MANE Select); coding-DNA position 1600, C replaced by T.
Protein change: p.Arg534Trp; replaces arginine 534 with tryptophan.
Molecular consequence: missense variant.
Genome position (GRCh38, 1-based): chr2:27,377,571, G>A on the plus strand (C>T on the coding strand, the complement: ZNF513 is on the minus strand). VCF-style: chr2-27377571-G-A. GRCh37 (hg19) VCF-style: chr2-27600438-G-A.
Other names: c.1414C>T, p.Arg472Trp (NM_001201459.2); short protein forms R472W, R534W.
Identifiers: ClinVar variation 1040152 (VCV001040152.9), dbSNP rs376122709, ClinGen allele CA1577765.

ClinVar aggregate classification (germline): Uncertain significance. Review status: criteria provided, multiple submitters, no conflicts (2 of 4 stars). 2 submissions from 2 submitters: Uncertain significance (2). Last evaluated 2025-11-16.

Allele frequency attached by ClinVar (database versions not stated): gnomAD exomes 0.00002; TOPMed 0.00002; ExAC 0.00003; gnomAD 0.00004; ESP Exome Variant Server 0.00015.

Submissions (2):

Labcorp Genetics (formerly Invitae), Labcorp
Classification: Uncertain significance. Last evaluated: 2025-11-16. Review status: criteria provided, single submitter. Criteria: Invitae Variant Classification Sherloc (09022015). Collection method: clinical testing. Allele origin: germline.
Comment: This sequence change replaces arginine, which is basic and polar, with tryptophan, which is neutral and slightly polar, at codon 534 of the ZNF513 protein (p.Arg534Trp). This variant is present in population databases (rs376122709, gnomAD 0.004%). This variant has not been reported in the literature in individuals affected with ZNF513-related conditions. ClinVar contains an entry for this variant (Variation ID: 1040152). An algorithm developed to predict the effect of missense changes on protein structure and function (PolyPhen-2) suggests that this variant is likely to be disruptive. In summary, the available evidence is currently insufficient to determine the role of this variant in disease. Therefore, it has been classified as a Variant of Uncertain Significance.

Blueprint Genetics
Classification: Uncertain significance. Last evaluated: 2023-10-02. Review status: criteria provided, single submitter. Criteria: ACMG Guidelines, 2015. Collection method: clinical testing. Allele origin: germline.